The following is an entry in ClinVar:

NM_002485.5(NBN):c.1489A>G (p.Thr497Ala)

Gene: NBN (nibrin; minus strand). Cytogenetic location: 8q21.3.
Variant type: single nucleotide variant.
Coding change: c.1489A>G on transcript NM_002485.5 (MANE Select); coding-DNA position 1489, A replaced by G.
Protein change: p.Thr497Ala; replaces threonine 497 with alanine.
Molecular consequence: missense variant.
Genome position (GRCh38, 1-based): chr8:89,953,600, T>C on the plus strand (A>G on the coding strand, the complement: NBN is on the minus strand). VCF-style: chr8-89953600-T-C. GRCh37 (hg19) VCF-style: chr8-90965828-T-C.
Other names: p.T497A:ACA>GCA; NP_002476.2:p.Thr497Ala; c.1243A>G, p.Thr415Ala (NM_001024688.3); short protein forms T497A, T415A.
Identifiers: ClinVar variation 134872 (VCV000134872.96), dbSNP rs3026268, ClinGen allele CA160963.

ClinVar aggregate classification (germline): Benign/Likely benign. Review status: criteria provided, multiple submitters, no conflicts (2 of 4 stars). 19 submissions from 18 submitters: Benign (13); Likely benign (2). 4 of the submissions do not count toward it. Last evaluated 2026-09-01.

Conditions:
Microcephaly, normal intelligence and immunodeficiency (NBS). Also called: IMMUNODEFICIENCY, MICROCEPHALY, AND CHROMOSOMAL INSTABILITY; BERLIN BREAKAGE SYNDROME; Immunodeficiency, microcephaly with normal intelligence; SEEMANOVA SYNDROME II; Nijmegen breakage syndrome; Microcephaly with normal intelligence immunodeficiency and lymphoreticular malignancies. Identifiers: Orphanet 647, MedGen C0398791, MONDO:0009623, OMIM 251260.
Acute lymphoid leukemia (ALL). Also called: Lymphoblastic leukemia; Leukemia, acute lymphoblastic, somatic; Acute lymphoblastic leukemia; Acute lymphocytic leukemia. Identifiers: Orphanet 513, MedGen C0023449, MONDO:0004967, OMIM 613065, HP:0006721.
Aplastic anemia. Identifiers: Orphanet 182040, Orphanet 88, MedGen C0002874, MONDO:0015909, OMIM 609135, HP:0001915.
Hereditary cancer-predisposing syndrome. Also called: Neoplastic Syndromes, Hereditary; Tumor predisposition; Hereditary neoplastic syndrome; Hereditary Cancer Syndrome. Identifiers: Orphanet 140162, MedGen C0027672, MeSH D009386, MONDO:0015356.
Hereditary breast ovarian cancer syndrome. Also called: Breast and ovarian cancer; BRCA1- and BRCA2-Associated Hereditary Breast and Ovarian Cancer; Hereditary breast and/or ovarian cancer syndrome; Hereditary breast and ovarian cancer syndrome; Hereditary breast and ovarian cancer; Hereditary breast and ovarian cancer syndrome (HBOC). Identifiers: Orphanet 145, MedGen C0677776, MeSH D061325, MONDO:0003582. Disease mechanism: loss of function.
Malignant tumor of breast. Also called: Malignant breast neoplasm; Cancer breast. Identifiers: MedGen C0006142, MONDO:0007254. Disease mechanism: loss of function.

Allele frequency attached by ClinVar (database versions not stated): gnomAD exomes 0.00181; ExAC 0.00217; gnomAD 0.00671 and 0.00711; TOPMed 0.00802; ESP Exome Variant Server 0.00823; 1000 Genomes Project 0.00839; 1000 Genomes Project 30x 0.00843.
gnomAD v4.1: 2,019 of 1,613,508 alleles (0.13%); highest among the groups gnomAD compares: African/African-American, 2.4%; 23 homozygotes.

Submissions (19):

CeGaT Center for Human Genetics Tuebingen
Classification: Benign. Last evaluated: 2026-09-01. Review status: criteria provided, single submitter. Criteria: CeGaT Center For Human Genetics Tuebingen Variant Classification Criteria Version 2. Collection method: clinical testing. Allele origin: germline. Affected: yes. Observed: 7 variant alleles.
Comment: NBN: BP4, BS1, BS2

Labcorp Genetics (formerly Invitae), Labcorp
Classification: Benign for Microcephaly, normal intelligence and immunodeficiency. Last evaluated: 2026-02-01. Review status: criteria provided, single submitter. Criteria: Invitae Variant Classification Sherloc (09022015). Collection method: clinical testing. Allele origin: germline.

KCCC/NGS Laboratory, Kuwait Cancer Control Center
Classification: Benign for Microcephaly, normal intelligence and immunodeficiency. Last evaluated: 2025-02-01. Review status: criteria provided, single submitter. Criteria: ACMG Guidelines, 2015. Collection method: clinical testing. Allele origin: germline. Affected: no.

KCCC/NGS Laboratory, Kuwait Cancer Control Center
Classification: Benign for Acute lymphoid leukemia. Last evaluated: 2023-07-07. Review status: criteria provided, single submitter. Criteria: ACMG Guidelines, 2015. Collection method: clinical testing. Allele origin: germline. Affected: yes.

ARUP Laboratories, Molecular Genetics and Genomics, ARUP Laboratories
Classification: Benign. Last evaluated: 2023-06-19. Review status: criteria provided, single submitter. Criteria: ARUP Molecular Germline Variant Investigation Process 2024. Collection method: clinical testing. Allele origin: germline.

Quest Diagnostics Nichols Institute San Juan Capistrano
Classification: Benign. Last evaluated: 2022-05-03. Review status: criteria provided, single submitter. Criteria: Quest Diagnostics criteria. Collection method: clinical testing. Allele origin: unknown.

Fulgent Genetics
Classification: Likely benign for Microcephaly, normal intelligence and immunodeficiency; Aplastic anemia; Acute lymphoid leukemia. Last evaluated: 2022-04-19. Review status: criteria provided, single submitter. Criteria: ACMG Guidelines, 2015. Collection method: clinical testing. Allele origin: unknown.

National Health Laboratory Service, Universitas Academic Hospital and University of the Free State
Classification: Benign for Hereditary breast ovarian cancer syndrome. Last evaluated: 2022-04-19. Review status: criteria provided, single submitter. Criteria: ACMG Guidelines, 2015. Collection method: clinical testing. Allele origin: germline. Affected: yes. Observed: 4 variant alleles.

Sema4
Classification: Benign for Hereditary cancer-predisposing syndrome. Last evaluated: 2020-11-04. Review status: criteria provided, single submitter. Criteria: Sema4 Curation Guidelines. Collection method: curation. Allele origin: germline.

Genetic Services Laboratory, University of Chicago
Classification: Benign. Last evaluated: 2018-01-19. Review status: criteria provided, single submitter. Criteria: ACMG Guidelines, 2015. Collection method: clinical testing. Allele origin: germline. Affected: no.

Illumina Laboratory Services, Illumina
Classification: Benign for Microcephaly, normal intelligence and immunodeficiency. Last evaluated: 2017-04-28. Review status: criteria provided, single submitter. Criteria: ICSL Variant Classification Criteria 13 December 2019. Collection method: clinical testing. Allele origin: germline.
Comment: This variant was observed as part of a predisposition screen in an ostensibly healthy population. A literature search was performed for the gene, cDNA change, and amino acid change (where applicable). Publications were found based on this search. The evidence from the literature, in combination with allele frequency data from public databases where available, was sufficient to rule this variant out of causing disease. Therefore, this variant is classified as benign.

Ambry Genetics
Classification: Benign for Hereditary cancer-predisposing syndrome. Last evaluated: 2014-11-28. Review status: criteria provided, single submitter. Criteria: Ambry Variant Classification Scheme 2023. Collection method: clinical testing. Allele origin: germline.

GeneDx
Classification: Benign. Last evaluated: 2014-01-25. Review status: criteria provided, single submitter. Criteria: GeneDx Variant Classification (06012015). Collection method: clinical testing. Allele origin: germline. Affected: yes.
Comment: This variant is considered likely benign or benign based on one or more of the following criteria: it is a conservative change, it occurs at a poorly conserved position in the protein, it is predicted to be benign by multiple in silico algorithms, and/or has population frequency not consistent with disease.

Breakthrough Genomics
Classification: Likely benign. Review status: criteria provided, single submitter. Criteria: ACMG Guidelines, 2015. Collection method: not provided. Allele origin: germline. Inheritance: Autosomal recessive inheritance. Affected: yes.

PreventionGenetics, part of Exact Sciences
Classification: Benign. Review status: criteria provided, single submitter. Criteria: ACMG Guidelines, 2015. Collection method: clinical testing. Allele origin: germline.

Institute for Biomarker Research, Medical Diagnostic Laboratories, L.L.C.
Classification: Benign for Hereditary cancer-predisposing syndrome. Last evaluated: 2021-11-09. Review status: no assertion criteria provided. Collection method: clinical testing. Allele origin: germline. Not counted in ClinVar's aggregate classification.

True Health Diagnostics
Classification: Likely benign for Hereditary cancer-predisposing syndrome. Last evaluated: 2017-08-17. Review status: no assertion criteria provided. Collection method: clinical testing. Allele origin: germline. Not counted in ClinVar's aggregate classification.

ITMI
No classification provided. Condition: AllHighlyPenetrant. Last evaluated: 2013-09-19. Review status: no classification provided. Collection method: reference population. Allele origin: germline. Not counted in ClinVar's aggregate classification.
Comment: Please see associated publication for description of ethnicities

Department of Pathology and Laboratory Medicine, Sinai Health System
Classification: Benign for Malignant tumor of breast. Review status: no assertion criteria provided. Collection method: clinical testing. Allele origin: unknown. Affected: yes. Observed: 1 variant allele. Study: The Canadian Open Genetics Repository (COGR). Not counted in ClinVar's aggregate classification.
Comment: The NBN p.Thr497Ala variant was identified in 6 of 2520 proband chromosomes (frequency: 0.002) from American individuals or families with a history of Lynch syndrome associated cancers and/or polyps (Yurgelun 2015). The variant was also identified in dbSNP (ID: rs3026268) â€šÃ„ÃºWith other alleleâ€šÃ„Ã¹, ClinVar (classified benign by Invitae, GeneDx, Ambry Genetics, Prevention Genetics, ARUP Laboratories and likely benign by Genetic Services Laboratory (University of Chicago) and Quest Diagnostics Nichols Institute San Juan Capistrano), Zhejiang Colon Cancer Database (1X) and in control databases in 622 (10 homozygous) of 276618 chromosomes at a frequency of 0.002 increasing the likelihood this could be a low frequency variant (Genome Aggregation Database Feb 27, 2017). Breakdown of the observations by population include African in 569 (10 homozygous) of 24014 chromosomes (freq: 0.02), Other in 4 of 6450 chromosomes (freq: 0.0006), Latino in 39 of 34386 chromosomes (freq: 0.001), European Non-Finnish in 7 of 126274 chromosomes (freq: 0.00006), and South Asian in 3 of 30770 chromosomes (freq: 0.0001); while the variant was not observed in the Ashkenazi Jewish, East Asian, and European Finnish populations.. The variant was not identified in Clinvitae, Cosmic, and LOVD 3.0 databases. The p.Thr497 residue is conserved in in mammals but not in more distantly related organisms however computational analyses (PolyPhen-2, SIFT, AlignGVGD, BLOSUM, MutationTaster) do not suggest a high likelihood of impact to the protein; this information is not predictive enough to rule out pathogenicity. The variant occurs outside of the splicing consensus sequence and in silico or computational prediction software programs (SpliceSiteFinder, MaxEntScan, NNSPLICE, GeneSplicer, HumanSpliceFinder) do not predict a difference in splicing. In summary, based on the above information this variant meets our laboratory's criteria to be classified as benign.

Literature cited by the submitters: PubMed 25980754 (cited by Quest Diagnostics Nichols Institute San Juan Capistrano); PubMed 33471991 (cited by Quest Diagnostics Nichols Institute San Juan Capistrano); PubMed 24728327 (cited by Quest Diagnostics Nichols Institute San Juan Capistrano and ITMI); PubMed 25318351 (cited by Quest Diagnostics Nichols Institute San Juan Capistrano); PubMed 19584272 (cited by Illumina Laboratory Services, Illumina); PubMed 21302341 (cited by Illumina Laboratory Services, Illumina).